The following is an entry in ClinVar:

ClinVar aggregate classification (germline): Uncertain significance. Review status: criteria provided, multiple submitters, no conflicts (2 of 4 stars). 2 submissions from 2 submitters: Uncertain significance (2). Last evaluated 2024-07-08.

Conditions:
Inborn genetic diseases. Identifiers: MedGen C0950123, MeSH D030342.

Allele frequency attached by ClinVar (database versions not stated): gnomAD exomes below 0.00001; ExAC 0.00001; TOPMed 0.00001.

Submissions (2):

Women's Health and Genetics/Laboratory Corporation of America, LabCorp
Classification: Uncertain significance. Last evaluated: 2024-07-08. Review status: criteria provided, single submitter. Criteria: LabCorp Variant Classification Summary - May 2015. Collection method: clinical testing. Allele origin: germline.
Comment: Variant summary: CACNA1G c.3027C>A (p.Ser1009Arg) results in a non-conservative amino acid change in the encoded protein sequence. Three of five in-silico tools predict a damaging effect of the variant on protein function. The frequency data for this variant in gnomAD is considered unreliable, as metrics indicate poor data quality at this position. To our knowledge, no occurrence of c.3027C>A in individuals affected with Spinocerebellar Ataxia Type 42 and no experimental evidence demonstrating its impact on protein function have been reported. ClinVar contains an entry for this variant (Variation ID: 2296687). Based on the evidence outlined above, the variant was classified as uncertain significance.

Ambry Genetics
Classification: Uncertain significance for Inborn genetic diseases. Last evaluated: 2022-06-24. Review status: criteria provided, single submitter. Criteria: Ambry Variant Classification Scheme 2023. Collection method: clinical testing. Allele origin: germline.

NM_018896.5(CACNA1G):c.3027C>A (p.Ser1009Arg)

Gene: CACNA1G (calcium voltage-gated channel subunit alpha1 G; plus strand). Cytogenetic location: 17q21.33.
Variant type: single nucleotide variant.
Coding change: c.3027C>A on transcript NM_018896.5 (MANE Select); coding-DNA position 3027, C replaced by A.
Protein change: p.Ser1009Arg; replaces serine 1009 with arginine.
Molecular consequence: missense variant. On other transcripts: non-coding transcript variant (5).
Genome position (GRCh38, 1-based): chr17:50,596,609, C>A. VCF-style: chr17-50596609-C-A. GRCh37 (hg19) VCF-style: chr17-48673970-C-A.
Other names: c.3027C>A, p.Ser1009Arg (NM_001256324.2, NM_001256325.2, NM_001256326.2 and 16 more transcripts); c.2958C>A, p.Ser986Arg (NM_001256332.2, NM_198376.3, NM_198379.3 and 5 more transcripts); short protein forms S986R, S1009R.
Identifiers: ClinVar variation 2296687 (VCV002296687.3), dbSNP rs780355646, ClinGen allele CA8652601.